The following is an entry in ClinVar:

ClinVar aggregate classification (germline): Uncertain significance (1 of 4 stars; one submission).

gnomAD v4.1: 2 of 1,552,316 alleles (0.00013%); highest among the groups gnomAD compares: Non-Finnish European, 0.00018%; no homozygotes.

Submission:

Labcorp Genetics (formerly Invitae), Labcorp
Classification: Uncertain significance. Last evaluated: 2022-10-13. Review status: criteria provided, single submitter. Criteria: Invitae Variant Classification Sherloc (09022015). Collection method: clinical testing. Allele origin: germline.
Comment: This variant is not present in population databases (gnomAD no frequency). In summary, the available evidence is currently insufficient to determine the role of this variant in disease. Therefore, it has been classified as a Variant of Uncertain Significance. Algorithms developed to predict the effect of missense changes on protein structure and function are either unavailable or do not agree on the potential impact of this missense change (SIFT: "Deleterious"; PolyPhen-2: "Possibly Damaging"; Align-GVGD: "Class C0"). ClinVar contains an entry for this variant (Variation ID: 1019706). This variant has not been reported in the literature in individuals affected with PLK4-related conditions. This sequence change replaces glycine, which is neutral and non-polar, with serine, which is neutral and polar, at codon 656 of the PLK4 protein (p.Gly656Ser).

NM_014264.5(PLK4):c.1966G>A (p.Gly656Ser)

Gene: PLK4 (polo like kinase 4; plus strand). Cytogenetic location: 4q28.1.
Variant type: single nucleotide variant.
Coding change: c.1966G>A on transcript NM_014264.5 (MANE Select); coding-DNA position 1966, G replaced by A.
Protein change: p.Gly656Ser; replaces glycine 656 with serine.
Molecular consequence: missense variant.
Genome position (GRCh38, 1-based): chr4:127,891,609, G>A. VCF-style: chr4-127891609-G-A. GRCh37 (hg19) VCF-style: chr4-128812764-G-A.
Other names: c.1870G>A, p.Gly624Ser (NM_001190799.2); c.1843G>A, p.Gly615Ser (NM_001190801.2); short protein forms G615S, G624S, G656S.
Identifiers: ClinVar variation 1019706 (VCV001019706.5), dbSNP rs1735362568, ClinGen allele CA358158440.